The following is an entry in ClinVar:

ClinVar aggregate classification (germline): Uncertain significance. Review status: criteria provided, single submitter (1 of 4 stars). 2 submissions from 2 submitters: Uncertain significance (1). 1 of the submissions does not count toward it. Last evaluated 2025-09-10.

Conditions:
SPATA13-related disorder. Also called: SPATA13-related condition.

Allele frequency attached by ClinVar (database versions not stated): ExAC 0.00085; gnomAD 0.00224; 1000 Genomes Project 30x 0.00234; ESP Exome Variant Server 0.00269; TOPMed 0.00273; 1000 Genomes Project 0.00280.
gnomAD v4.1: 781 of 1,613,032 alleles (0.048%); highest among the groups gnomAD compares: African/African-American, 0.81%; 7 homozygotes.

Submissions (2):

Ambry Genetics
Classification: Uncertain significance. Last evaluated: 2025-09-10. Review status: criteria provided, single submitter. Criteria: Ambry Variant Classification Scheme 2023. Collection method: clinical testing. Allele origin: germline.

PreventionGenetics, part of Exact Sciences
Classification: Benign for SPATA13-related condition. Last evaluated: 2019-03-14. Review status: no assertion criteria provided. Collection method: clinical testing. Allele origin: germline. Not counted in ClinVar's aggregate classification.
Comment: This variant is classified as benign based on ACMG/AMP sequence variant interpretation guidelines (Richards et al. 2015 PMID: 25741868, with internal and published modifications).

NM_001166271.3(SPATA13):c.2437C>T (p.Arg813Cys)

Gene: SPATA13 (spermatogenesis associated 13; plus strand). Cytogenetic location: 13q12.12.
Variant type: single nucleotide variant.
Coding change: c.2437C>T on transcript NM_001166271.3 (MANE Select); coding-DNA position 2437, C replaced by T.
Protein change: p.Arg813Cys; replaces arginine 813 with cysteine.
Molecular consequence: missense variant.
Genome position (GRCh38, 1-based): chr13:24,286,349, C>T. VCF-style: chr13-24286349-C-T. GRCh37 (hg19) VCF-style: chr13-24860487-C-T.
Other names: c.2623C>T, p.Arg875Cys (NM_001286792.2); c.328C>T, p.Arg110Cys (NM_001286793.2, NM_001286795.2); c.394C>T, p.Arg132Cys (NM_001286794.2); c.562C>T, p.Arg188Cys (NM_153023.4); c.2437C>T (NM_001166271.1); short protein forms R110C, R132C, R188C, R813C, R875C.
Identifiers: ClinVar variation 3045931 (VCV003045931.3), dbSNP rs142906131, ClinGen allele CA6914251.